The following is an entry in ClinVar:

ClinVar aggregate classification (germline): Uncertain significance (1 of 4 stars; one submission).

gnomAD v4.1: 2 of 1,613,556 alleles (0.00012%); highest among the groups gnomAD compares: East Asian, 0.0022%; no homozygotes.

Submission:

Labcorp Genetics (formerly Invitae), Labcorp
Classification: Uncertain significance. Last evaluated: 2022-06-08. Review status: criteria provided, single submitter. Criteria: Invitae Variant Classification Sherloc (09022015). Collection method: clinical testing. Allele origin: germline.
Comment: In summary, the available evidence is currently insufficient to determine the role of this variant in disease. Therefore, it has been classified as a Variant of Uncertain Significance. Algorithms developed to predict the effect of missense changes on protein structure and function are either unavailable or do not agree on the potential impact of this missense change (SIFT: "Not Available"; PolyPhen-2: "Benign"; Align-GVGD: "Not Available"). This variant has not been reported in the literature in individuals affected with PNLIP-related conditions. This variant is not present in population databases (gnomAD no frequency). This sequence change replaces methionine, which is neutral and non-polar, with isoleucine, which is neutral and non-polar, at codon 414 of the PNLIP protein (p.Met414Ile).

NM_000936.4(PNLIP):c.1242G>T (p.Met414Ile)

Gene: PNLIP (pancreatic lipase; plus strand). Cytogenetic location: 10q25.3.
Variant type: single nucleotide variant.
Coding change: c.1242G>T on transcript NM_000936.4 (MANE Select); coding-DNA position 1242, G replaced by T.
Protein change: p.Met414Ile; replaces methionine 414 with isoleucine.
Molecular consequence: missense variant.
Genome position (GRCh38, 1-based): chr10:116,561,544, G>T. VCF-style: chr10-116561544-G-T. GRCh37 (hg19) VCF-style: chr10-118321056-G-T.
Other names: short protein forms M414I.
Identifiers: ClinVar variation 2002944 (VCV002002944.4), dbSNP rs1017285902, ClinGen allele CA378498265.